The following is an entry in ClinVar:

NM_001199107.2(TBC1D24):c.1207-19A>G

Gene: TBC1D24 (TBC1 domain family member 24; plus strand). Cytogenetic location: 16p13.3.
Variant type: single nucleotide variant.
Coding change: c.1207-19A>G on transcript NM_001199107.2 (MANE Select); 19 bases into the intron before coding-DNA position 1207, A replaced by G.
Molecular consequence: intron variant.
Genome position (GRCh38, 1-based): chr16:2,499,816, A>G. VCF-style: chr16-2499816-A-G. GRCh37 (hg19) VCF-style: chr16-2549817-A-G.
Other names: c.1189-19A>G (NM_020705.3).
Identifiers: ClinVar variation 2942341 (VCV002942341.3), dbSNP rs944302929, ClinGen allele CA276809958.

ClinVar aggregate classification (germline): Uncertain significance (1 of 4 stars; one submission).

Conditions:
Autosomal dominant nonsyndromic hearing loss 65. Also called: Deafness, autosomal dominant 65; TBC1D24-Related Autosomal Dominant Nonsyndromic Hearing Loss (DFNA). Identifiers: Orphanet 90635, MedGen C3892048, MONDO:0014470, OMIM 616044.
Developmental and epileptic encephalopathy, 1 (DEE1). Also called: INFANTILE SPASM SYNDROME, X-LINKED 1; X-linked infantile spasms; West's syndrome; Tonic spasms with clustering, arrest of psychomotor development and hypsarrhythmia on EEG; X-Linked Infantile Spasm Syndrome; OHTAHARA SYNDROME, X-LINKED. Identifiers: MedGen C3463992, MONDO:0010632, OMIM 308350. Disease mechanism: loss of function.

Allele frequency attached by ClinVar (database versions not stated): gnomAD exomes below 0.00001.
gnomAD v4.1: 6 of 1,609,500 alleles (0.00037%); highest among the groups gnomAD compares: Non-Finnish European, 0.00051%; no homozygotes.

Submission:

Labcorp Genetics (formerly Invitae), Labcorp
Classification: Uncertain significance for Developmental and epileptic encephalopathy, 1; Autosomal dominant nonsyndromic hearing loss 65. Last evaluated: 2023-03-06. Review status: criteria provided, single submitter. Criteria: Invitae Variant Classification Sherloc (09022015). Collection method: clinical testing. Allele origin: germline.
Comment: This variant is not present in population databases (gnomAD no frequency). This variant has not been reported in the literature in individuals affected with TBC1D24-related conditions. Algorithms developed to predict the effect of sequence changes on RNA splicing suggest that this variant may disrupt the consensus splice site. In summary, the available evidence is currently insufficient to determine the role of this variant in disease. Therefore, it has been classified as a Variant of Uncertain Significance. This sequence change falls in intron 5 of the TBC1D24 gene. It does not directly change the encoded amino acid sequence of the TBC1D24 protein.